The following is an entry in ClinVar:

NM_000520.6(HEXA):c.497G>A (p.Arg166His)

Gene: HEXA (hexosaminidase subunit alpha; minus strand). Cytogenetic location: 15q23.
Variant type: single nucleotide variant.
Coding change: c.497G>A on transcript NM_000520.6 (MANE Select); coding-DNA position 497, G replaced by A.
Protein change: p.Arg166His; replaces arginine 166 with histidine.
Molecular consequence: missense variant. On other transcripts: non-coding transcript variant (1).
Genome position (GRCh38, 1-based): chr15:72,353,141, C>T on the plus strand (G>A on the coding strand, the complement: HEXA is on the minus strand). VCF-style: chr15-72353141-C-T. GRCh37 (hg19) VCF-style: chr15-72645482-C-T.
Other names: c.530G>A, p.Arg177His (NM_001318825.2); short protein forms R166H, R177H.
Identifiers: ClinVar variation 93192 (VCV000093192.27), dbSNP rs398123442, ClinGen allele CA221067.

ClinVar aggregate classification (germline): Uncertain significance. Review status: criteria provided, multiple submitters, no conflicts (2 of 4 stars). 6 submissions from 6 submitters: Uncertain significance (4). 2 of the submissions do not count toward it. Last evaluated 2022-07-12.

Conditions:
Tay-Sachs disease (TSD). Also called: HEXA Disorders; HEXA DEFICIENCY; GM2 gangliosidosis, type 1; Hexosaminidase alpha-subunit deficiency (variant B); Sphingolipidosis, Tay-Sachs; Hexosaminidase A Deficiency. Identifiers: Orphanet 845, MedGen C0039373, MONDO:0010100, OMIM 272800.

Allele frequency attached by ClinVar (database versions not stated): ExAC 0.00002; gnomAD 0.00002; TOPMed 0.00002.
gnomAD v4.1: 30 of 1,612,940 alleles (0.0019%); highest among the groups gnomAD compares: South Asian, 0.012%; no homozygotes.

Submissions (6):

Labcorp Genetics (formerly Invitae), Labcorp
Classification: Uncertain significance for Tay-Sachs disease. Last evaluated: 2022-07-12. Review status: criteria provided, single submitter. Criteria: Invitae Variant Classification Sherloc (09022015). Collection method: clinical testing. Allele origin: germline.
Comment: This sequence change replaces arginine, which is basic and polar, with histidine, which is basic and polar, at codon 166 of the HEXA protein (p.Arg166His). This variant is present in population databases (rs398123442, gnomAD 0.006%). This missense change has been observed in individual(s) with HEXA-related conditions (PMID: 8581357). ClinVar contains an entry for this variant (Variation ID: 93192). Algorithms developed to predict the effect of missense changes on protein structure and function are either unavailable or do not agree on the potential impact of this missense change (SIFT: "Deleterious"; PolyPhen-2: "Probably Damaging"; Align-GVGD: "Class C0"). Algorithms developed to predict the effect of sequence changes on RNA splicing suggest that this variant may disrupt the consensus splice site. In summary, the available evidence is currently insufficient to determine the role of this variant in disease. Therefore, it has been classified as a Variant of Uncertain Significance.

Fulgent Genetics
Classification: Uncertain significance for Tay-Sachs disease. Last evaluated: 2021-08-12. Review status: criteria provided, single submitter. Criteria: ACMG Guidelines, 2015. Collection method: clinical testing. Allele origin: unknown.

ARUP Laboratories, Molecular Genetics and Genomics, ARUP Laboratories
Classification: Uncertain significance. Last evaluated: 2020-03-19. Review status: criteria provided, single submitter. Criteria: ARUP Molecular Germline Variant Investigation Process. Collection method: clinical testing. Allele origin: germline.
Comment: The HEXA c.497G>A; p.Arg166His variant (rs398123442), to our knowledge, is not reported in the medical literature. However, this variant segregated with reduced HEXA enzyme activity in several family members tested at ARUP. This variant is reported in the ClinVar database (Variation ID: 93192) and in the general population with an overall allele frequency of 0.003% (8/282,600 alleles) in the Genome Aggregation Database. The arginine at codon 166 is highly conserved and computational analyses (SIFT, PolyPhen-2) predict that this variant is deleterious. Additionally, another variant in the same codon, p.Arg166Gly, has been described in an infant with Tay-Sachs disease who carried an additional pathogenic variant (Peleg 1995). Based on available information, the p.Arg166His variant is considered to be likely pathogenic. References: Peleg L et al. GM2 gangliosidosis B1 variant: biochemical and molecular characterization of hexosaminidase A. Biochem Mol Med. 1995 Apr;54(2):126-32.

Eurofins Ntd Llc (ga)
Classification: Uncertain significance. Last evaluated: 2012-12-26. Review status: criteria provided, single submitter. Criteria: EGL Classification Definitions 2015. Collection method: clinical testing. Allele origin: germline. Observed: 1 variant allele, 1 heterozygote.

Natera, Inc.
Classification: Uncertain significance for Tay-Sachs disease. Last evaluated: 2020-02-15. Review status: no assertion criteria provided. Collection method: clinical testing. Allele origin: germline. Not counted in ClinVar's aggregate classification.

Counsyl
Classification: Uncertain significance for Tay-Sachs disease. Last evaluated: 2017-12-07. Review status: no assertion criteria provided. Collection method: clinical testing. Allele origin: unknown. Not counted in ClinVar's aggregate classification.

Literature cited by the submitters: PubMed 8581357 (cited by Labcorp Genetics (formerly Invitae), Labcorp).